The following is an entry in ClinVar:

ClinVar aggregate classification (germline): Uncertain significance (1 of 4 stars; one submission).

Conditions:
Hemochromatosis type 4 (HFE4). Also called: Ferroportin disease; HEMOCHROMATOSIS DUE TO DEFECT IN FERROPORTIN; HEMOCHROMATOSIS, AUTOSOMAL DOMINANT. Identifiers: Orphanet 139491, Orphanet 647834, Orphanet 648562, MedGen C1853733, MONDO:0011631, OMIM 606069.

Allele frequency attached by ClinVar (database versions not stated): gnomAD exomes below 0.00001; TOPMed below 0.00001.

Submission:

Labcorp Genetics (formerly Invitae), Labcorp
Classification: Uncertain significance for Hemochromatosis type 4. Last evaluated: 2023-01-19. Review status: criteria provided, single submitter. Criteria: Invitae Variant Classification Sherloc (09022015). Collection method: clinical testing. Allele origin: germline.
Comment: In summary, the available evidence is currently insufficient to determine the role of this variant in disease. Therefore, it has been classified as a Variant of Uncertain Significance. Advanced modeling of protein sequence and biophysical properties (such as structural, functional, and spatial information, amino acid conservation, physicochemical variation, residue mobility, and thermodynamic stability) performed at Invitae indicates that this missense variant is not expected to disrupt SLC40A1 protein function. This variant has not been reported in the literature in individuals affected with SLC40A1-related conditions. This variant is present in population databases (no rsID available, gnomAD 0.006%). This sequence change replaces serine, which is neutral and polar, with phenylalanine, which is neutral and non-polar, at codon 433 of the SLC40A1 protein (p.Ser433Phe).

NM_014585.6(SLC40A1):c.1298C>T (p.Ser433Phe)

Gene: SLC40A1 (solute carrier family 40 member 1; minus strand). Cytogenetic location: 2q32.2.
Variant type: single nucleotide variant.
Coding change: c.1298C>T on transcript NM_014585.6 (MANE Select); coding-DNA position 1298, C replaced by T.
Protein change: p.Ser433Phe; replaces serine 433 with phenylalanine.
Molecular consequence: missense variant.
Genome position (GRCh38, 1-based): chr2:189,563,688, G>A on the plus strand (C>T on the coding strand, the complement: SLC40A1 is on the minus strand). VCF-style: chr2-189563688-G-A. GRCh37 (hg19) VCF-style: chr2-190428414-G-A.
Other names: short protein forms S433F.
Identifiers: ClinVar variation 2975559 (VCV002975559.3), dbSNP rs1281190116, ClinGen allele CA349987323.
Genomic context (GRCh38, chr2:189,563,688, plus strand): 5'-ATTATGGGCACAGATTCAGGACTTGTCTCCGGGACAATATTAGCAGAATTAGACCCATTA[G>A]ACATGTATATTTCAGTTGTAATTTCAGGTATCTTGGTAGGTGTAATTGACTCTCCTTGAA-3'
Protein context (NP_055400.1, residues 423-443): IPEITTEIYM[Ser433Phe]NGSNSANIVP